The following is an entry in ClinVar:

NM_014786.4(ARHGEF17):c.1811G>A (p.Arg604His)

Gene: ARHGEF17 (Rho guanine nucleotide exchange factor 17; plus strand). Cytogenetic location: 11q13.4.
Variant type: single nucleotide variant.
Coding change: c.1811G>A on transcript NM_014786.4 (MANE Select); coding-DNA position 1811, G replaced by A.
Protein change: p.Arg604His; replaces arginine 604 with histidine.
Molecular consequence: missense variant.
Genome position (GRCh38, 1-based): chr11:73,310,449, G>A. VCF-style: chr11-73310449-G-A. GRCh37 (hg19) VCF-style: chr11-73021494-G-A.
Other names: short protein forms R604H.
Identifiers: ClinVar variation 2351808 (VCV002351808.26), dbSNP rs149213151, ClinGen allele CA6177080.

ClinVar aggregate classification (germline): Conflicting classifications of pathogenicity. Review status: criteria provided, conflicting classifications (1 of 4 stars). 2 submissions from 2 submitters: Uncertain significance (1); Likely benign (1). Last evaluated 2024-01-23.

Allele frequency attached by ClinVar (database versions not stated): 1000 Genomes Project 30x 0.00016; 1000 Genomes Project 0.00020; ExAC 0.00037; gnomAD 0.00037; TOPMed 0.00045; ESP Exome Variant Server 0.00054.
gnomAD v4.1: 941 of 1,613,996 alleles (0.058%); highest among the groups gnomAD compares: Non-Finnish European, 0.075%; no homozygotes.

Submissions (2):

Ambry Genetics
Classification: Uncertain significance. Last evaluated: 2024-01-23. Review status: criteria provided, single submitter. Criteria: Ambry Variant Classification Scheme 2023. Collection method: clinical testing. Allele origin: germline.

CeGaT Center for Human Genetics Tuebingen
Classification: Likely benign. Last evaluated: 2023-03-01. Review status: criteria provided, single submitter. Criteria: CeGaT Center For Human Genetics Tuebingen Variant Classification Criteria Version 2. Collection method: clinical testing. Allele origin: germline. Affected: yes. Observed: 1 variant allele.
Comment: ARHGEF17: BP4